The following is an entry in ClinVar:

ClinVar aggregate classification (germline): Uncertain significance (1 of 4 stars; one submission).

Submission:

GeneDx
Classification: Uncertain significance. Last evaluated: 2024-02-04. Review status: criteria provided, single submitter. Criteria: GeneDx Variant Classification Process June 2021. Collection method: clinical testing. Allele origin: germline. Affected: yes.
Comment: Not observed at significant frequency in large population cohorts (gnomAD); In silico analysis supports that this missense variant does not alter protein structure/function; Has not been previously published as pathogenic or benign to our knowledge

NM_001367873.1(SOX6):c.2477G>A (p.Ser826Asn)

Gene: SOX6 (SRY-box transcription factor 6; minus strand). Cytogenetic location: 11p15.2.
Variant type: single nucleotide variant.
Coding change: c.2477G>A on transcript NM_001367873.1 (MANE Select); coding-DNA position 2477, G replaced by A.
Protein change: p.Ser826Asn; replaces serine 826 with asparagine.
Molecular consequence: missense variant.
Genome position (GRCh38, 1-based): chr11:15,972,819, C>T on the plus strand (G>A on the coding strand, the complement: SOX6 is on the minus strand). VCF-style: chr11-15972819-C-T. GRCh37 (hg19) VCF-style: chr11-15994365-C-T.
Other names: c.2396G>A, p.Ser799Asn (NM_001145811.2, NM_017508.3); c.2477G>A, p.Ser826Asn (NM_001145819.2); c.2354G>A, p.Ser785Asn (NM_001367872.1); c.2417G>A, p.Ser806Asn (NM_033326.3); short protein forms S785N, S799N, S806N, S826N.
Identifiers: ClinVar variation 3368759 (VCV003368759.1).